The following is an entry in ClinVar:

ClinVar aggregate classification (germline): Uncertain significance (1 of 4 stars; one submission).

Conditions:
Ehlers-Danlos syndrome, classic type, 1 (EDSCL1). Also called: EHLERS-DANLOS SYNDROME, GRAVIS TYPE; EHLERS-DANLOS SYNDROME, SEVERE CLASSIC TYPE; Ehlers-Danlos syndrome, type 1; Ehlers-Danlos Syndrome, Classic Type, COL5A1-Related; EDS I. Identifiers: MedGen C0268335, MONDO:0019567, OMIM 130000.
Osteogenesis imperfecta type I (OI1). Also called: OI, TYPE I; OSTEOGENESIS IMPERFECTA TARDA; OSTEOGENESIS IMPERFECTA WITH BLUE SCLERAE; Osteogenesis imperfecta type 1; Lobstein's Disease; Lobstein disease. Identifiers: Orphanet 216796, Orphanet 666, MedGen C0023931, MONDO:0008146, OMIM 166200. Disease mechanism: loss of function.

Submission:

Labcorp Genetics (formerly Invitae), Labcorp
Classification: Uncertain significance for Osteogenesis imperfecta type I; Ehlers-Danlos syndrome, classic type, 1. Last evaluated: 2020-10-30. Review status: criteria provided, single submitter. Criteria: Invitae Variant Classification Sherloc (09022015). Collection method: clinical testing. Allele origin: germline.
Comment: In summary, the available evidence is currently insufficient to determine the role of this variant in disease. Therefore, it has been classified as a Variant of Uncertain Significance. Algorithms developed to predict the effect of missense changes on protein structure and function are either unavailable or do not agree on the potential impact of this missense change (SIFT: "Deleterious"; PolyPhen-2: "Not Available"; Align-GVGD: "Class C0"). This variant has not been reported in the literature in individuals with COL1A2-related conditions. This variant is not present in population databases (ExAC no frequency). This sequence change replaces lysine with glutamic acid at codon 569 of the COL1A2 protein (p.Lys569Glu). The lysine residue is highly conserved and there is a small physicochemical difference between lysine and glutamic acid.

NM_000089.4(COL1A2):c.1705A>G (p.Lys569Glu)

Gene: COL1A2 (collagen type I alpha 2 chain; plus strand). Cytogenetic location: 7q21.3.
Variant type: single nucleotide variant.
Coding change: c.1705A>G on transcript NM_000089.4 (MANE Select); coding-DNA position 1705, A replaced by G.
Protein change: p.Lys569Glu; replaces lysine 569 with glutamic acid.
Molecular consequence: missense variant.
Genome position (GRCh38, 1-based): chr7:94,414,261, A>G. VCF-style: chr7-94414261-A-G. GRCh37 (hg19) VCF-style: chr7-94043573-A-G.
Other names: short protein forms K569E.
Identifiers: ClinVar variation 1403029 (VCV001403029.6), dbSNP rs2115910396, ClinGen allele CA368222414.